The following is an entry in ClinVar:

ClinVar aggregate classification (germline): Pathogenic (1 of 4 stars; one submission).

Conditions:
Gaucher disease. Also called: Acute cerebral Gaucher disease; Cerebroside lipidosis syndrome; Gaucher splenomegaly; Sphingolipidosis 1; Glucocerebrosidosis; Glucosylceramidase deficiency. Identifiers: Orphanet 355, MedGen C0017205, MONDO:0018150.

Submission:

Natera, Inc.
Classification: Pathogenic for Gaucher disease. Last evaluated: 2025-11-28. Review status: criteria provided, single submitter. Criteria: Natera Variant Classification Schema (03/2026). Collection method: clinical testing. Allele origin: germline.
Comment: The c.681T>A variant in GBA1 is a missense variant predicted to cause substitution of asparagine to lysine at amino acid 227. This variant is rare in the general population with a frequency below the threshold expected for the associated phenotype(s). This variant has been observed in one or more individuals affected with the associated recessive disease, as either homozygous or compound heterozygous with a second variant (PMID: 32165122). Another variant at this same site results in an alteration predicted to cause a similar molecular effect has been observed in individual(s) with the associated phenotype. A different variant at the same position has been determined to be Pathogenic or Likely Pathogenic. Given the available evidence, this variant is classified as Pathogenic.

Literature cited by the submitters: PubMed 32165122.

NM_000157.4(GBA1):c.681T>A (p.Asn227Lys)

Genes: GBA1 (glucosylceramidase beta 1; minus strand), LOC106627981 (GBA recombination region; plus strand). Cytogenetic location: 1q22.
Variant type: single nucleotide variant.
Coding change: c.681T>A on transcript NM_000157.4 (MANE Select); coding-DNA position 681, T replaced by A.
Protein change: p.Asn227Lys; replaces asparagine 227 with lysine.
Molecular consequence: missense variant.
Genome position (GRCh38, 1-based): chr1:155,238,214, A>T on the plus strand (T>A on the coding strand, the complement: GBA1 is on the minus strand). VCF-style: chr1-155238214-A-T. GRCh37 (hg19) VCF-style: chr1-155208005-A-T.
Other names: c.681T>A, p.Asn227Lys (NM_001005741.3, NM_001005742.3); c.420T>A, p.Asn140Lys (NM_001171811.2); c.534T>A, p.Asn178Lys (NM_001171812.2); short protein forms N140K, N178K, N227K.
Identifiers: ClinVar variation 4817792 (VCV004817792.1).